The following is an entry in ClinVar:

ClinVar aggregate classification (germline): Uncertain significance (1 of 4 stars; one submission).

Submission:

Center for Genomic Medicine, Rigshospitalet, Copenhagen University Hospital
Classification: Uncertain significance. Last evaluated: 2025-12-29. Review status: criteria provided, single submitter. Criteria: ACMG Guidelines, 2015. Collection method: clinical testing. Allele origin: germline.
Comment: Classification criteria: PM2_moderate

Literature cited by the submitters: PubMed 31298594; PubMed 33181827.

NM_001142864.4(PIEZO1):c.4978G>C (p.Glu1660Gln)

Gene: PIEZO1 (piezo type mechanosensitive ion channel component 1 (Er blood group); minus strand). Cytogenetic location: 16q24.3.
Variant type: single nucleotide variant.
Coding change: c.4978G>C on transcript NM_001142864.4 (MANE Select); coding-DNA position 4978, G replaced by C.
Protein change: p.Glu1660Gln; replaces glutamic acid 1660 with glutamine.
Molecular consequence: missense variant.
Genome position (GRCh38, 1-based): chr16:88,722,044, C>G on the plus strand (G>C on the coding strand, the complement: PIEZO1 is on the minus strand). VCF-style: chr16-88722044-C-G. GRCh37 (hg19) VCF-style: chr16-88788452-C-G.
Other names: short protein forms E1660Q.
Identifiers: ClinVar variation 4539161 (VCV004539161.1).
Genomic context (GRCh38, chr16:88,722,044, plus strand): 5'-ACACGGCCCGCAGCAGCCGCAGCGCCCGGCCCTGCCCCTCCGCAAACAGCTCTGCCTCCT[C>G]CAGCTCTGGGATGCGCAGGCGCCTACAGGGAGACCCGCGTGTTTGGGGGAGTCTGGGACT-3'
Protein context (NP_001136336.2, residues 1650-1670): LDRRLRIPEL[Glu1660Gln]EAELFAEGQG